The following is an entry in ClinVar:

ClinVar aggregate classification (germline): Uncertain significance (0 of 4 stars; one submission).

Allele frequency attached by ClinVar (database versions not stated): gnomAD exomes below 0.00001.
gnomAD v4.1: 1 of 1,608,258 alleles (0.000062%); highest among the groups gnomAD compares: East Asian, 0.0022%; no homozygotes.

Submission:

Leiden Open Variation Database
Classification: Uncertain significance. Last evaluated: 2019-08-13. Review status: no assertion criteria provided. Collection method: curation. Allele origin: germline. Affected: yes.
Comment: Curator: Arleen D. Auerbach. Submitter to LOVD: Yukihide Momozawa.

Literature cited by the submitters: PubMed 31214711.

NM_032043.3(BRIP1):c.1142T>G (p.Met381Arg)

Gene: BRIP1 (BRCA1 interacting DNA helicase 1; minus strand). Cytogenetic location: 17q23.2.
Variant type: single nucleotide variant.
Coding change: c.1142T>G on transcript NM_032043.3 (MANE Select); coding-DNA position 1142, T replaced by G.
Protein change: p.Met381Arg; replaces methionine 381 with arginine.
Molecular consequence: missense variant.
Genome position (GRCh38, 1-based): chr17:61,799,298, A>C on the plus strand (T>G on the coding strand, the complement: BRIP1 is on the minus strand). VCF-style: chr17-61799298-A-C. GRCh37 (hg19) VCF-style: chr17-59876659-A-C.
Other names: short protein forms M381R.
Identifiers: ClinVar variation 929529 (VCV000929529.1), dbSNP rs1060501741, ClinGen allele CA400483834.
Genomic context (GRCh38, chr17:61,799,298, plus strand): 5'-CAGTCCTCGATGTTATGAGCTTCATCTAAAATGACAACCTGTTCTTTCAGATTTAAATCC[A>C]TCTATAAGATAAAAGAATTTTCTTGTAAAACATTTGGCAAAATAGATTTAACAACAGCAG-3'
Protein context (NP_114432.2, residues 371-391): YLLDAQIRES[Met381Arg]DLNLKEQVVI